The following is an entry in ClinVar:

ClinVar aggregate classification (germline): Uncertain significance (1 of 4 stars; one submission).

gnomAD v4.1: 1 of 1,608,562 alleles (0.000062%); highest among the groups gnomAD compares: Non-Finnish European, 0.000085%; no homozygotes.

Submission:

Labcorp Genetics (formerly Invitae), Labcorp
Classification: Uncertain significance. Last evaluated: 2025-11-09. Review status: criteria provided, single submitter. Criteria: Invitae Variant Classification Sherloc (09022015). Collection method: clinical testing. Allele origin: germline.
Comment: This sequence change replaces glutamic acid, which is acidic and polar, with glycine, which is neutral and non-polar, at codon 82 of the CELF4 protein (p.Glu82Gly). This variant is present in population databases (no rsID available, gnomAD no frequency). This variant has not been reported in the literature in individuals affected with CELF4-related conditions. Invitae Evidence Modeling of protein sequence and biophysical properties (such as structural, functional, and spatial information, amino acid conservation, physicochemical variation, residue mobility, and thermodynamic stability) indicates that this missense variant is expected to disrupt CELF4 protein function with a positive predictive value of 80%. In summary, the available evidence is currently insufficient to determine the role of this variant in disease. Therefore, it has been classified as a Variant of Uncertain Significance.

NM_020180.4(CELF4):c.245A>G (p.Glu82Gly)

Gene: CELF4 (CUGBP Elav-like family member 4; minus strand). Cytogenetic location: 18q12.2.
Variant type: single nucleotide variant.
Coding change: c.245A>G on transcript NM_020180.4 (MANE Select); coding-DNA position 245, A replaced by G.
Protein change: p.Glu82Gly; replaces glutamic acid 82 with glycine.
Molecular consequence: missense variant. On other transcripts: non-coding transcript variant (11).
Genome position (GRCh38, 1-based): chr18:37,565,397, T>C on the plus strand (A>G on the coding strand, the complement: CELF4 is on the minus strand). VCF-style: chr18-37565397-T-C. GRCh37 (hg19) VCF-style: chr18-35145360-T-C.
Other names: c.245A>G, p.Glu82Gly (NM_001353705.2, NM_001353706.2, NM_001353707.2 and 61 more transcripts); short protein forms E82G.
Identifiers: ClinVar variation 4774186 (VCV004774186.1).